The following is an entry in ClinVar:

NM_144596.4(TTC8):c.630G>T (p.Leu210Phe)

Gene: TTC8 (tetratricopeptide repeat domain 8; plus strand). Cytogenetic location: 14q31.3.
Variant type: single nucleotide variant.
Coding change: c.630G>T on transcript NM_144596.4 (MANE Select); coding-DNA position 630, G replaced by T.
Protein change: p.Leu210Phe; replaces leucine 210 with phenylalanine.
Molecular consequence: missense variant. On other transcripts: 5 prime UTR variant (1), non-coding transcript variant (1).
Genome position (GRCh38, 1-based): chr14:88,852,976, G>T. VCF-style: chr14-88852976-G-T. GRCh37 (hg19) VCF-style: chr14-89319320-G-T.
Other names: c.678G>T, p.Leu226Phe (NM_001288781.1); c.36G>T, p.Leu12Phe (NM_001288782.1); c.-88G>T (NM_001288783.1); c.600G>T, p.Leu200Phe (NM_001366535.2, NM_198309.3); c.510G>T, p.Leu170Phe (NM_001366536.2, NM_198310.3); short protein forms L12F, L170F, L210F, L226F, L200F.
Identifiers: ClinVar variation 1043313 (VCV001043313.8), dbSNP rs2094839899, ClinGen allele CA390544329.

ClinVar aggregate classification (germline): Uncertain significance (1 of 4 stars; one submission).

Conditions:
Bardet-Biedl syndrome (BBS). Identifiers: Orphanet 110, MedGen C0752166, MONDO:0015229.

Submission:

Labcorp Genetics (formerly Invitae), Labcorp
Classification: Uncertain significance for Bardet-Biedl syndrome. Last evaluated: 2021-01-14. Review status: criteria provided, single submitter. Criteria: Invitae Variant Classification Sherloc (09022015). Collection method: clinical testing. Allele origin: germline.
Comment: This sequence change replaces leucine with phenylalanine at codon 200 of the TTC8 protein (p.Leu200Phe). The leucine residue is moderately conserved and there is a small physicochemical difference between leucine and phenylalanine. This variant is not present in population databases (ExAC no frequency). This variant has not been reported in the literature in individuals with TTC8-related conditions. Algorithms developed to predict the effect of missense changes on protein structure and function are either unavailable or do not agree on the potential impact of this missense change (SIFT: "Tolerated"; PolyPhen-2: "Possibly Damaging"; Align-GVGD: "Class C0"). In summary, the available evidence is currently insufficient to determine the role of this variant in disease. Therefore, it has been classified as a Variant of Uncertain Significance.